The following is an entry in ClinVar:

ClinVar aggregate classification (germline): Uncertain significance (1 of 4 stars; one submission).

gnomAD v4.1: 1 of 1,590,016 alleles (0.000063%); no homozygotes.

Submission:

Labcorp Genetics (formerly Invitae), Labcorp
Classification: Uncertain significance. Last evaluated: 2024-10-29. Review status: criteria provided, single submitter. Criteria: Invitae Variant Classification Sherloc (09022015). Collection method: clinical testing. Allele origin: germline.
Comment: This sequence change replaces alanine, which is neutral and non-polar, with aspartic acid, which is acidic and polar, at codon 31 of the WFS1 protein (p.Ala31Asp). This variant is not present in population databases (gnomAD no frequency). This variant has not been reported in the literature in individuals affected with WFS1-related conditions. ClinVar contains an entry for this variant (Variation ID: 1484846). Invitae Evidence Modeling of protein sequence and biophysical properties (such as structural, functional, and spatial information, amino acid conservation, physicochemical variation, residue mobility, and thermodynamic stability) indicates that this missense variant is not expected to disrupt WFS1 protein function with a negative predictive value of 95%. In summary, the available evidence is currently insufficient to determine the role of this variant in disease. Therefore, it has been classified as a Variant of Uncertain Significance.

NM_006005.3(WFS1):c.92C>A (p.Ala31Asp)

Gene: WFS1 (wolframin ER transmembrane glycoprotein; plus strand). Cytogenetic location: 4p16.1.
Variant type: single nucleotide variant.
Coding change: c.92C>A on transcript NM_006005.3 (MANE Select); coding-DNA position 92, C replaced by A.
Protein change: p.Ala31Asp; replaces alanine 31 with aspartic acid.
Molecular consequence: missense variant.
Genome position (GRCh38, 1-based): chr4:6,277,547, C>A. VCF-style: chr4-6277547-C-A. GRCh37 (hg19) VCF-style: chr4-6279274-C-A.
Other names: c.92C>A, p.Ala31Asp (NM_001145853.1); short protein forms A31D.
Identifiers: ClinVar variation 1484846 (VCV001484846.6), dbSNP rs550975729, ClinGen allele CA356169622.